The following is an entry in ClinVar:

NM_014920.5(CILK1):c.101+2T>C

Gene: CILK1 (ciliogenesis associated kinase 1; minus strand). Cytogenetic location: 6p12.1.
Variant type: single nucleotide variant.
Coding change: c.101+2T>C on transcript NM_014920.5 (MANE Select); the canonical splice donor site of the intron after coding-DNA position 101, T replaced by C.
Molecular consequence: splice donor variant.
Genome position (GRCh38, 1-based): chr6:53,041,134, A>G on the plus strand (T>C on the coding strand, the complement: CILK1 is on the minus strand). VCF-style: chr6-53041134-A-G. GRCh37 (hg19) VCF-style: chr6-52905932-A-G.
Other names: c.101+2T>C (NM_001375397.1, NM_001375400.1, NM_016513.5 and 4 more transcripts).
Identifiers: ClinVar variation 1930837 (VCV001930837.5), dbSNP rs1407416926, ClinGen allele CA364467278.

ClinVar aggregate classification (germline): Uncertain significance (1 of 4 stars; one submission).

Allele frequency attached by ClinVar (database versions not stated): gnomAD exomes below 0.00001; TOPMed 0.00002.
gnomAD v4.1: 1 of 1,597,940 alleles (0.000063%); highest among the groups gnomAD compares: East Asian, 0.0022%; no homozygotes.

Submission:

Labcorp Genetics (formerly Invitae), Labcorp
Classification: Uncertain significance. Last evaluated: 2022-11-22. Review status: criteria provided, single submitter. Criteria: Invitae Variant Classification Sherloc (09022015). Collection method: clinical testing. Allele origin: germline.
Comment: Algorithms developed to predict the effect of sequence changes on RNA splicing suggest that this variant may create or strengthen a splice site. This variant has not been reported in the literature in individuals affected with ICK-related conditions. This variant is not present in population databases (gnomAD no frequency). This sequence change affects a donor splice site in intron 3 of the ICK gene. It is expected to disrupt RNA splicing. Variants that disrupt the donor or acceptor splice site typically lead to a loss of protein function (PMID: 16199547), however the current clinical and genetic evidence is not sufficient to establish whether loss-of-function variants in ICK cause disease. In summary, the available evidence is currently insufficient to determine the role of this variant in disease. Therefore, it has been classified as a Variant of Uncertain Significance.

Literature cited by the submitters: PubMed 16199547.